The following is an entry in ClinVar:

NM_080680.3(COL11A2):c.1606C>T (p.Arg536Ter)

Gene: COL11A2 (collagen type XI alpha 2 chain; minus strand). Cytogenetic location: 6p21.32.
Variant type: single nucleotide variant.
Coding change: c.1606C>T on transcript NM_080680.3 (MANE Select); coding-DNA position 1606, C replaced by T.
Protein change: p.Arg536Ter; replaces arginine 536 with a stop codon.
Molecular consequence: nonsense.
Genome position (GRCh38, 1-based): chr6:33,179,078, G>A on the plus strand (C>T on the coding strand, the complement: COL11A2 is on the minus strand). VCF-style: chr6-33179078-G-A. GRCh37 (hg19) VCF-style: chr6-33146855-G-A.
Other names: c.1285C>T, p.Arg429Ter (NM_080679.3); c.1348C>T, p.Arg450Ter (NM_080681.3); c.1606C>T (NM_080680.2); short protein forms R536*, R429*, R450*.
Identifiers: ClinVar variation 2074115 (VCV002074115.6), dbSNP rs745874653, ClinGen allele CA363659914.

ClinVar aggregate classification (germline): Pathogenic/Likely pathogenic. Review status: criteria provided, multiple submitters, no conflicts (2 of 4 stars). 3 submissions from 3 submitters: Pathogenic (2); Likely pathogenic (1). Last evaluated 2023-05-22.

gnomAD v4.1: 2 of 1,613,816 alleles (0.00012%); highest among the groups gnomAD compares: East Asian, 0.0022%; no homozygotes.

Submissions (3):

Labcorp Genetics (formerly Invitae), Labcorp
Classification: Pathogenic. Last evaluated: 2023-05-22. Review status: criteria provided, single submitter. Criteria: Invitae Variant Classification Sherloc (09022015). Collection method: clinical testing. Allele origin: germline.
Comment: This variant has not been reported in the literature in individuals affected with COL11A2-related conditions. This sequence change creates a premature translational stop signal (p.Arg536*) in the COL11A2 gene. It is expected to result in an absent or disrupted protein product. Loss-of-function variants in COL11A2 are known to be pathogenic (PMID: 10677296, 21204229). This variant is not present in population databases (gnomAD no frequency). ClinVar contains an entry for this variant (Variation ID: 2074115). For these reasons, this variant has been classified as Pathogenic.

GeneDx
Classification: Pathogenic. Last evaluated: 2023-05-18. Review status: criteria provided, single submitter. Criteria: GeneDx Variant Classification Process June 2021. Collection method: clinical testing. Allele origin: germline. Affected: yes.
Comment: Nonsense variant predicted to result in protein truncation or nonsense mediated decay in a gene for which loss-of-function is a known mechanism of disease; Not observed in large population cohorts (gnomAD); Has not been previously published as pathogenic or benign to our knowledge

Revvity Omics, Revvity
Classification: Likely pathogenic. Last evaluated: 2021-11-30. Review status: criteria provided, single submitter. Criteria: ACMG Guidelines, 2015. Collection method: clinical testing. Allele origin: germline.

Literature cited by the submitters: PubMed 10677296 (cited by Labcorp Genetics (formerly Invitae), Labcorp); PubMed 21204229 (cited by Labcorp Genetics (formerly Invitae), Labcorp).